The following is an entry in ClinVar:

ClinVar aggregate classification (germline): Uncertain significance (1 of 4 stars; one submission).

Conditions:
CAD-related disorder. Also called: CAD-related condition.

gnomAD v4.1: 12 of 1,613,340 alleles (0.00074%); highest among the groups gnomAD compares: South Asian, 0.0022%; no homozygotes.

Submission:

PreventionGenetics, part of Exact Sciences
Classification: Uncertain significance for CAD-related condition. Last evaluated: 2025-05-22. Review status: criteria provided, single submitter. Criteria: ACMG Guidelines, 2015. Collection method: clinical testing. Allele origin: germline.
Comment: The CAD c.5956C>T variant is predicted to result in the amino acid substitution p.Arg1986Trp. To our knowledge, this variant has not been reported in the literature. This variant is reported in 0.0033% of alleles in individuals of South Asian descent in gnomAD. At this time, the clinical significance of this variant is uncertain due to the absence of conclusive functional and genetic evidence.

NM_004341.5(CAD):c.5956C>T (p.Arg1986Trp)

Gene: CAD (carbamoyl-phosphate synthetase 2, aspartate transcarbamylase, and dihydroorotase; plus strand). Cytogenetic location: 2p23.3.
Variant type: single nucleotide variant.
Coding change: c.5956C>T on transcript NM_004341.5 (MANE Select); coding-DNA position 5956, C replaced by T.
Protein change: p.Arg1986Trp; replaces arginine 1986 with tryptophan.
Molecular consequence: missense variant.
Genome position (GRCh38, 1-based): chr2:27,241,983, C>T. VCF-style: chr2-27241983-C-T. GRCh37 (hg19) VCF-style: chr2-27464851-C-T.
Other names: c.5767C>T, p.Arg1923Trp (NM_001306079.2); short protein forms R1923W, R1986W.
Identifiers: ClinVar variation 4990700 (VCV004990700.1).